The following is an entry in ClinVar:

NM_001283009.2(RTEL1):c.2969C>T (p.Ala990Val)

Genes: RTEL1 (regulator of telomere elongation helicase 1; plus strand), RTEL1-TNFRSF6B (RTEL1-TNFRSF6B readthrough (NMD candidate); plus strand). Cytogenetic location: 20q13.33.
Variant type: single nucleotide variant.
Coding change: c.2969C>T on transcript NM_001283009.2 (MANE Select); coding-DNA position 2969, C replaced by T.
Protein change: p.Ala990Val; replaces alanine 990 with valine.
Molecular consequence: missense variant. On other transcripts: non-coding transcript variant (1).
Genome position (GRCh38, 1-based): chr20:63,693,260, C>T. VCF-style: chr20-63693260-C-T. GRCh37 (hg19) VCF-style: chr20-62324613-C-T.
Other names: c.2300C>T, p.Ala767Val (NM_001283010.1); c.2969C>T, p.Ala990Val (NM_016434.4); c.3041C>T, p.Ala1014Val (NM_032957.5); short protein forms A990V, A767V, A1014V.
Identifiers: ClinVar variation 872264 (VCV000872264.45), dbSNP rs370171864, ClinGen allele CA9965680.
Genomic context (GRCh38, chr20:63,693,260, plus strand): 5'-AGCTGACAGGACGAGGCTGTGGCTATCGGCCTGAGCACAGCATTCCCCGAAGGCAGCGGG[C>T]ACAGCCGGTCCTGGACCCCACTGGTAAATGGGGCCCCAGGTGGGACCCTCAGACTCCTGC-3'
Protein context (NP_001269938.1, residues 980-1000): PEHSIPRRQR[Ala990Val]QPVLDPTGRT

ClinVar aggregate classification (germline): Uncertain significance. Review status: criteria provided, multiple submitters, no conflicts (2 of 4 stars). 3 submissions from 3 submitters: Uncertain significance (3). Last evaluated 2025-10-31.

Conditions:
Dyskeratosis congenita, autosomal recessive 5 (DKCB5). Identifiers: MedGen C3554656, MONDO:0014076, OMIM 615190.
Pulmonary fibrosis and/or bone marrow failure, Telomere-related, 3. Also called: PULMONARY FIBROSIS AND/OR BONE MARROW FAILURE SYNDROME, TELOMERE-RELATED, 3. Identifiers: Orphanet 2032, MedGen C4225346, MONDO:0014613, OMIM 616373.

Allele frequency attached by ClinVar (database versions not stated): TOPMed 0.00005; ExAC 0.00006; ESP Exome Variant Server 0.00008.
gnomAD v4.1: 78 of 1,611,798 alleles (0.0048%); highest among the groups gnomAD compares: Non-Finnish European, 0.0062%; no homozygotes.

Submissions (3):

Labcorp Genetics (formerly Invitae), Labcorp
Classification: Uncertain significance for Dyskeratosis congenita, autosomal recessive 5; Pulmonary fibrosis and/or bone marrow failure, Telomere-related, 3. Last evaluated: 2025-10-31. Review status: criteria provided, single submitter. Criteria: Invitae Variant Classification Sherloc (09022015). Collection method: clinical testing. Allele origin: germline.
Comment: This sequence change replaces alanine, which is neutral and non-polar, with valine, which is neutral and non-polar, at codon 990 of the RTEL1 protein (p.Ala990Val). This variant is present in population databases (rs370171864, gnomAD 0.009%). This missense change has been observed in individual(s) with clinical features of RTEL1-related conditions (PMID: 29344583). ClinVar contains an entry for this variant (Variation ID: 872264). An algorithm developed to predict the effect of missense changes on protein structure and function outputs the following: PolyPhen-2: "Benign". The valine amino acid residue is found in multiple mammalian species, which suggests that this missense change does not adversely affect protein function. In summary, the available evidence is currently insufficient to determine the role of this variant in disease. Therefore, it has been classified as a Variant of Uncertain Significance.

Blueprint Genetics
Classification: Uncertain significance. Last evaluated: 2024-05-23. Review status: criteria provided, single submitter. Criteria: ACMG Guidelines, 2015. Collection method: clinical testing. Allele origin: germline.

CeGaT Center for Human Genetics Tuebingen
Classification: Uncertain significance. Last evaluated: 2019-10-01. Review status: criteria provided, single submitter. Criteria: CeGaT Center For Human Genetics Tuebingen Variant Classification Criteria Version 2. Collection method: clinical testing. Allele origin: germline. Affected: yes. Observed: 2 variant alleles.

Literature cited by the submitters: PubMed 29344583 (cited by Labcorp Genetics (formerly Invitae), Labcorp).